The following is an entry in ClinVar:

NM_000368.5(TSC1):c.641A>G (p.Glu214Gly)

Gene: TSC1 (TSC complex subunit 1; minus strand). Cytogenetic location: 9q34.13.
Variant type: single nucleotide variant.
Coding change: c.641A>G on transcript NM_000368.5 (MANE Select); coding-DNA position 641, A replaced by G.
Protein change: p.Glu214Gly; replaces glutamic acid 214 with glycine.
Molecular consequence: missense variant.
Genome position (GRCh38, 1-based): chr9:132,921,841, T>C on the plus strand (A>G on the coding strand, the complement: TSC1 is on the minus strand). VCF-style: chr9-132921841-T-C. GRCh37 (hg19) VCF-style: chr9-135797228-T-C.
Other names: c.488A>G, p.Glu163Gly (NM_001162427.2); c.278A>G, p.Glu93Gly (NM_001362177.2); c.641A>G, p.Glu214Gly (NM_001162426.2); short protein forms E93G, E163G, E214G.
Identifiers: ClinVar variation 838116 (VCV000838116.11), dbSNP rs1483354391, ClinGen allele CA375372319.
Genomic context (GRCh38, chr9:132,921,841, plus strand): 5'-TATACTAAGTAGCAAACAAACAAGCAGTTTCAATTTACCTTGACCACTTCTTCAAAAGTC[T>C]CCAGGTTTTCTTTCATACTGTAATGAGAACGCAAAAAGGAGACGAAGTTGCAAGGGTACA-3'
Protein context (NP_000359.1, residues 204-224): RSHYSMKENL[Glu214Gly]TFEEVVKPMM

ClinVar aggregate classification (germline): Conflicting classifications of pathogenicity. Review status: criteria provided, conflicting classifications (1 of 4 stars). 3 submissions from 3 submitters: Uncertain significance (2); Likely benign (1). Last evaluated 2026-01-02.

Conditions:
Hereditary cancer-predisposing syndrome. Also called: Neoplastic Syndromes, Hereditary; Hereditary neoplastic syndrome; Tumor predisposition; Hereditary Cancer Syndrome. Identifiers: Orphanet 140162, MedGen C0027672, MeSH D009386, MONDO:0015356.
Tuberous sclerosis 1 (TSC1). Identifiers: Orphanet 805, MedGen C1854465, MONDO:0008612, OMIM 191100.

Allele frequency attached by ClinVar (database versions not stated): gnomAD exomes below 0.00001 and 0.00001; TOPMed 0.00001.
gnomAD v4.1: 2 of 1,614,212 alleles (0.00012%); highest among the groups gnomAD compares: Admixed American, 0.0033%; no homozygotes.

Submissions (3):

Labcorp Genetics (formerly Invitae), Labcorp
Classification: Likely benign for Tuberous sclerosis 1. Last evaluated: 2026-01-02. Review status: criteria provided, single submitter. Criteria: Invitae Variant Classification Sherloc (09022015). Collection method: clinical testing. Allele origin: germline.

Ambry Genetics
Classification: Uncertain significance for Hereditary cancer-predisposing syndrome. Last evaluated: 2025-05-26. Review status: criteria provided, single submitter. Criteria: Ambry Variant Classification Scheme 2023. Collection method: clinical testing. Allele origin: germline.
Comment: The p.E214G variant (also known as c.641A>G), located in coding exon 5 of the TSC1 gene, results from an A to G substitution at nucleotide position 641. The glutamic acid at codon 214 is replaced by glycine, an amino acid with similar properties. This amino acid position is conserved. In addition, the in silico prediction for this alteration is inconclusive. Since supporting evidence is limited at this time, the clinical significance of this alteration remains unclear.

Women's Health and Genetics/Laboratory Corporation of America, LabCorp
Classification: Uncertain significance. Last evaluated: 2025-03-21. Review status: criteria provided, single submitter. Criteria: LabCorp Variant Classification Summary - May 2015. Collection method: clinical testing. Allele origin: germline.
Comment: Variant summary: TSC1 c.641A>G (p.Glu214Gly) results in a non-conservative amino acid change in the encoded protein sequence. Four of five in-silico tools predict a damaging effect of the variant on protein function. The variant allele was found at a frequency of 8e-06 in 251358 control chromosomes (gnomAD). The available data on variant occurrences in the general population are insufficient to allow any conclusion about variant significance. To our knowledge, no occurrence of c.641A>G in individuals affected with Tuberous Sclerosis Complex and no experimental evidence demonstrating its impact on protein function have been reported. ClinVar contains an entry for this variant (Variation ID: 838116). Based on the evidence outlined above, the variant was classified as uncertain significance.